The following is an entry in ClinVar:

NM_001372.4(DNAH9):c.6111+1G>A

Gene: DNAH9 (dynein axonemal heavy chain 9; plus strand). Cytogenetic location: 17p12.
Variant type: single nucleotide variant.
Coding change: c.6111+1G>A on transcript NM_001372.4 (MANE Select); the canonical splice donor site of the intron after coding-DNA position 6111, G replaced by A.
Molecular consequence: splice donor variant.
Genome position (GRCh38, 1-based): chr17:11,742,314, G>A. VCF-style: chr17-11742314-G-A. GRCh37 (hg19) VCF-style: chr17-11645631-G-A.
Identifiers: ClinVar variation 3674062 (VCV003674062.2).

ClinVar aggregate classification (germline): Likely pathogenic (1 of 4 stars; one submission).

gnomAD v4.1: 6 of 1,614,056 alleles (0.00037%); highest among the groups gnomAD compares: African/African-American, 0.0067%; no homozygotes.

Submission:

Labcorp Genetics (formerly Invitae), Labcorp
Classification: Likely pathogenic. Last evaluated: 2024-06-16. Review status: criteria provided, single submitter. Criteria: Invitae Variant Classification Sherloc (09022015). Collection method: clinical testing. Allele origin: germline.
Comment: This sequence change affects a donor splice site in intron 30 of the DNAH9 gene. It is expected to disrupt RNA splicing. Variants that disrupt the donor or acceptor splice site typically lead to a loss of protein function (PMID: 16199547), and loss-of-function variants in DNAH9 are known to be pathogenic (PMID: 30471718). This variant is present in population databases (rs571381294, gnomAD 0.008%). This variant has not been reported in the literature in individuals affected with DNAH9-related conditions. Algorithms developed to predict the effect of sequence changes on RNA splicing suggest that this variant may disrupt the consensus splice site. In summary, the currently available evidence indicates that the variant is pathogenic, but additional data are needed to prove that conclusively. Therefore, this variant has been classified as Likely Pathogenic.

Literature cited by the submitters: PubMed 16199547; PubMed 30471718.